The following is an entry in ClinVar:

NM_006206.6(PDGFRA):c.2562T>C (p.Ser854=)

Gene: PDGFRA (platelet derived growth factor receptor alpha; plus strand). Cytogenetic location: 4q12.
Variant type: single nucleotide variant.
Coding change: c.2562T>C on transcript NM_006206.6 (MANE Select); coding-DNA position 2562, T replaced by C.
Protein change: p.Ser854=; no amino-acid change (serine 854 retained).
Molecular consequence: synonymous variant.
Genome position (GRCh38, 1-based): chr4:54,285,963, T>C. VCF-style: chr4-54285963-T-C. GRCh37 (hg19) VCF-style: chr4-55152130-T-C.
Other names: c.2637T>C, p.Ser879= (NM_001347828.2); c.2562T>C, p.Ser854= (NM_001347829.2); c.2601T>C, p.Ser867= (NM_001347830.2).
Identifiers: ClinVar variation 3007383 (VCV003007383.3), dbSNP rs1164252451, ClinGen allele CA439287870.

ClinVar aggregate classification (germline): Uncertain significance (1 of 4 stars; one submission).

Conditions:
Gastrointestinal stromal tumor. Also called: Gastrointestinal stromal tumor, somatic; Gastrointestinal stroma tumor. Identifiers: Orphanet 44890, MedGen C0238198, MeSH D046152, MONDO:0011719, OMIM 606764, HP:0100723.

Allele frequency attached by ClinVar (database versions not stated): TOPMed 0.00001.

Submission:

Labcorp Genetics (formerly Invitae), Labcorp
Classification: Uncertain significance for Gastrointestinal stromal tumor. Last evaluated: 2023-05-02. Review status: criteria provided, single submitter. Criteria: Invitae Variant Classification Sherloc (09022015). Collection method: clinical testing. Allele origin: germline.
Comment: In summary, the available evidence is currently insufficient to determine the role of this variant in disease. Therefore, it has been classified as a Variant of Uncertain Significance. Algorithms developed to predict the effect of sequence changes on RNA splicing suggest that this variant is not likely to affect RNA splicing. This variant has not been reported in the literature in individuals affected with PDGFRA-related conditions. This variant is not present in population databases (gnomAD no frequency). This sequence change affects codon 854 of the PDGFRA mRNA. It is a 'silent' change, meaning that it does not change the encoded amino acid sequence of the PDGFRA protein. It affects a nucleotide within the consensus splice site.